The following is an entry in ClinVar:

ClinVar aggregate classification (germline): Likely pathogenic (1 of 4 stars; one submission).

Conditions:
Retinitis pigmentosa (RP). Identifiers: Orphanet 791, MedGen C0035334, MeSH D012174, MONDO:0019200, OMIM 268000. Inheritance: Autosomal dominant, autosomal recessive and X linked inheritance.

Submission:

Women's Health and Genetics/Laboratory Corporation of America, LabCorp
Classification: Likely pathogenic for Retinitis pigmentosa. Last evaluated: 2022-04-26. Review status: criteria provided, single submitter. Criteria: LabCorp Variant Classification Summary - May 2015. Collection method: clinical testing. Allele origin: germline.
Comment: Variant summary: The variant identified by MLPA or other technology involves the deletion of exons 3-5 in the EYS gene, which includes the start codon. A presumed nomenclature of c.(-333+1_-332-1)_(862+1_863-1)del has been designated for the purposes of this classification. The variant was absent in 21694 control chromosomes (gnomAD, Structural Variants dataset). To our knowledge, no occurrence of c.(-333+1_-332-1)_(862+1_863-1)del in individuals affected with Retinitis Pigmentosa and no experimental evidence demonstrating its impact on protein function have been reported. A ClinVar submitter (evaluation after 2014) cites the variant as pathogenic. Based on the evidence outlined above, the variant was classified as likely pathogenic.

NC_000006.11:g.(66115261_66200486)_(66205887_66349670)del

Gene: EYS (EGF-like photoreceptor maintenance factor; minus strand). Cytogenetic location: 6q12.
Variant type: Deletion.
Identifiers: ClinVar variation 1683285 (VCV001683285.1).